The following is an entry in ClinVar:

ClinVar aggregate classification (germline): Pathogenic (1 of 4 stars; one submission).

Conditions:
Osteogenesis imperfecta type I (OI1). Also called: Lobstein disease; Classic Non-deforming Osteogenesis Imperfecta with Blue Sclerae; OI, TYPE I; OSTEOGENESIS IMPERFECTA TARDA; OSTEOGENESIS IMPERFECTA WITH BLUE SCLERAE; Osteogenesis imperfecta type 1. Identifiers: Orphanet 216796, Orphanet 666, MedGen C0023931, MONDO:0008146, OMIM 166200. Disease mechanism: loss of function.

Submission:

Labcorp Genetics (formerly Invitae), Labcorp
Classification: Pathogenic for Osteogenesis imperfecta type I. Last evaluated: 2021-06-17. Review status: criteria provided, single submitter. Criteria: Invitae Variant Classification Sherloc (09022015). Collection method: clinical testing. Allele origin: germline.
Comment: This sequence change creates a premature translational stop signal (p.Gly329Valfs*212) in the COL1A1 gene. It is expected to result in an absent or disrupted protein product. Loss-of-function variants in COL1A1 are known to be pathogenic (PMID: 7942841, 9295084, 9443882). For these reasons, this variant has been classified as Pathogenic. This variant has not been reported in the literature in individuals with COL1A1-related conditions. This variant is not present in population databases (ExAC no frequency).

Literature cited by the submitters: PubMed 7942841; PubMed 9295084; PubMed 9443882.

NM_000088.4(COL1A1):c.984del (p.Gly329fs)

Gene: COL1A1 (collagen type I alpha 1 chain; minus strand). Cytogenetic location: 17q21.33.
Variant type: Deletion.
Coding change: c.984del on transcript NM_000088.4 (MANE Select); coding-DNA position 984, one base deleted (T; older notation c.984delT).
Protein change: p.Gly329fs; shifts the reading frame from glycine 329.
Molecular consequence: frameshift variant.
Genome position (GRCh38, 1-based): chr17:50,196,173, A deleted on the plus strand (T on the coding strand, the reverse complement: COL1A1 is on the minus strand). VCF-style (leftmost placement, unchanged base first): chr17-50196172-CA-C. GRCh37 (hg19) VCF-style: chr17-48273533-CA-C.
Other names: short protein forms G329fs.
Identifiers: ClinVar variation 1454125 (VCV001454125.6), dbSNP rs2144579869, ClinGen allele CA2573154215.